The following is an entry in ClinVar:

ClinVar aggregate classification (germline): Uncertain significance (1 of 4 stars; one submission).

Conditions:
Mitochondrial complex V (ATP synthase) deficiency, nuclear type 2. Also called: Nuclear-Encoded ATPase Deficiency, TMEM70-Related; ENCEPHALOCARDIOMYOPATHY, MITOCHONDRIAL, NEONATAL, DUE TO ATP SYNTHASE DEFICIENCY; MITOCHONDRIAL COMPLEX V (ATP SYNTHASE) DEFICIENCY, TMEM70 TYPE. Identifiers: Orphanet 1194, MedGen C3279699, MONDO:0013546, OMIM 614052.

Allele frequency attached by ClinVar (database versions not stated): gnomAD exomes below 0.00001.

Submission:

Labcorp Genetics (formerly Invitae), Labcorp
Classification: Uncertain significance for Mitochondrial complex V (ATP synthase) deficiency, nuclear type 2. Last evaluated: 2023-08-04. Review status: criteria provided, single submitter. Criteria: Invitae Variant Classification Sherloc (09022015). Collection method: clinical testing. Allele origin: germline.
Comment: This sequence change replaces arginine, which is basic and polar, with glutamine, which is neutral and polar, at codon 102 of the TMEM70 protein (p.Arg102Gln). In summary, the available evidence is currently insufficient to determine the role of this variant in disease. Therefore, it has been classified as a Variant of Uncertain Significance. Advanced modeling of protein sequence and biophysical properties (such as structural, functional, and spatial information, amino acid conservation, physicochemical variation, residue mobility, and thermodynamic stability) performed at Invitae indicates that this missense variant is not expected to disrupt TMEM70 protein function. ClinVar contains an entry for this variant (Variation ID: 1404875). This variant has not been reported in the literature in individuals affected with TMEM70-related conditions. This variant is present in population databases (no rsID available, gnomAD 0.0009%).

NM_017866.6(TMEM70):c.305G>A (p.Arg102Gln)

Gene: TMEM70 (transmembrane protein 70; plus strand). Cytogenetic location: 8q21.11.
Variant type: single nucleotide variant.
Coding change: c.305G>A on transcript NM_017866.6 (MANE Select); coding-DNA position 305, G replaced by A.
Protein change: p.Arg102Gln; replaces arginine 102 with glutamine.
Molecular consequence: missense variant. On other transcripts: non-coding transcript variant (1).
Genome position (GRCh38, 1-based): chr8:73,978,850, G>A. VCF-style: chr8-73978850-G-A. GRCh37 (hg19) VCF-style: chr8-74891085-G-A.
Other names: c.305G>A, p.Arg102Gln (NM_001040613.3); short protein forms R102Q.
Identifiers: ClinVar variation 1404875 (VCV001404875.7), dbSNP rs1455207577, ClinGen allele CA371489682.